The following is an entry in ClinVar:

ClinVar aggregate classification (germline): Pathogenic/Likely pathogenic. Review status: criteria provided, multiple submitters, no conflicts (2 of 4 stars). 7 submissions from 7 submitters: Pathogenic (4); Likely pathogenic (3). Last evaluated 2026-05-21.

Conditions:
Autosomal recessive hypophosphatemic bone disease (HHRH). Also called: Hypophosphatemic rickets with hypercalciuria; HYPERCALCIURIC RICKETS. Identifiers: Orphanet 157215, MedGen C1853271, MONDO:0009431, OMIM 241530.
SLC34A3-related disorder. Also called: SLC34A3-related condition.

Submissions (7):

Institute of Medical Genetics and Applied Genomics, University Hospital Tübingen
Classification: Likely pathogenic for Autosomal recessive hypophosphatemic bone disease. Last evaluated: 2026-05-21. Review status: criteria provided, single submitter. Criteria: ACMG Guidelines, 2015. Collection method: clinical testing. Allele origin: germline. Inheritance: Autosomal recessive inheritance. Affected: yes.

Labcorp Genetics (formerly Invitae), Labcorp
Classification: Pathogenic. Last evaluated: 2025-12-30. Review status: criteria provided, single submitter. Criteria: Invitae Variant Classification Sherloc (09022015). Collection method: clinical testing. Allele origin: germline.
Comment: This sequence change creates a premature translational stop signal (p.Leu417Thrfs*175) in the SLC34A3 gene. While this is not anticipated to result in nonsense mediated decay, it is expected to disrupt the last 183 amino acid(s) of the SLC34A3 protein. This variant is present in population databases (rs757714479, gnomAD 0.03%). This premature translational stop signal has been observed in individual(s) with renal hypophosphatemia although a second variant was not observed (PMID: 31672324). ClinVar contains an entry for this variant (Variation ID: 955341). Algorithms developed to predict the effect of sequence changes on RNA splicing suggest that this variant may disrupt the consensus splice site. This variant disrupts a region of the SLC34A3 protein in which other variant(s) (p.Trp541*) have been determined to be pathogenic (PMID: 31440709). This suggests that this is a clinically significant region of the protein, and that variants that disrupt it are likely to be disease-causing. For these reasons, this variant has been classified as Pathogenic.

Rare Kidney Stone Consortium and the Mayo Clinic Hyperoxaluria Center, Mayo Clinic
Classification: Pathogenic for Autosomal recessive hypophosphatemic bone disease. Last evaluated: 2025-05-01. Review status: criteria provided, single submitter. Criteria: ACMG Guidelines, 2015. Collection method: research. Allele origin: germline. Affected: yes.
Comment: ACMG: PVS1, PP4, PP5

PreventionGenetics, part of Exact Sciences
Classification: Pathogenic for SLC34A3-related condition. Last evaluated: 2025-01-03. Review status: criteria provided, single submitter. Criteria: ACMG Guidelines, 2015. Collection method: clinical testing. Allele origin: germline.
Comment: The SLC34A3 c.1248_1249delCT variant is predicted to result in a frameshift and premature protein termination (p.Leu417Thrfs*175). This frameshift variant is predicted to result in a premature termination at codon 592, which is eight amino acids proximal to the end of the wild-type protein. While this is not anticipated to result in nonsense mediated decay, it is expected to disrupt the C-terminal region of the SLC34A3 protein; such variants have been reported in trans with another pathogenic variant in individuals with SLC34A3-related disorders (for example see: p.Arg547Alafs*41, ClinVarID: 444096; Ser435Thrfs*46, Ichikawa et al. 2014. PubMed ID: 24176905). This variant is reported in 0.026% of alleles in individuals of Latino descent in gnomAD. This variant is interpreted as pathogenic.

Blueprint Genetics
Classification: Pathogenic for SLC34A3-related disorders. Last evaluated: 2024-06-28. Review status: criteria provided, single submitter. Criteria: ACMG Guidelines, 2015. Collection method: clinical testing. Allele origin: germline. Affected: yes. Observed: 5 variant alleles.

Fulgent Genetics
Classification: Likely pathogenic for Autosomal recessive hypophosphatemic bone disease. Last evaluated: 2024-04-30. Review status: criteria provided, single submitter. Criteria: ACMG Guidelines, 2015. Collection method: clinical testing. Allele origin: germline.

MGZ Medical Genetics Center
Classification: Likely pathogenic for Autosomal recessive hypophosphatemic bone disease. Last evaluated: 2022-02-08. Review status: criteria provided, single submitter. Criteria: ACMG Guidelines, 2015. Collection method: clinical testing. Allele origin: germline. Affected: yes. Observed: 1 variant allele.
Comment: ACMG criteria applied: PVS1_STR, PM2_SUP, PM3_SUP

Literature cited by the submitters: PubMed 31672324 (cited by Labcorp Genetics (formerly Invitae), Labcorp and Rare Kidney Stone Consortium and the Mayo Clinic Hyperoxaluria Center, Mayo Clinic); PubMed 31440709 (cited by Labcorp Genetics (formerly Invitae), Labcorp); PubMed 34426522 (cited by Rare Kidney Stone Consortium and the Mayo Clinic Hyperoxaluria Center, Mayo Clinic); PubMed 34805638 (cited by Rare Kidney Stone Consortium and the Mayo Clinic Hyperoxaluria Center, Mayo Clinic).

NM_001177316.2(SLC34A3):c.1248_1249del (p.Leu417fs)

Gene: SLC34A3 (solute carrier family 34 member 3; plus strand). Cytogenetic location: 9q34.3.
Variant type: Microsatellite.
Coding change: c.1248_1249del on transcript NM_001177316.2 (MANE Select); coding-DNA positions 1248 to 1249, 2 bases deleted (CT; older notation c.1248_1249delCT).
Protein change: p.Leu417fs; shifts the reading frame from leucine 417.
Molecular consequence: frameshift variant.
Genome position (GRCh38, 1-based): chr9:137,234,644-137,234,645, CT deleted; deleting any 2 consecutive bases within chr9:137,234,642-137,234,645 gives the same sequence; the c. name uses the placement nearest the transcript's 3' end. VCF-style (leftmost placement, unchanged base first): chr9-137234641-CCT-C. GRCh37 (hg19) VCF-style: chr9-140129093-CCT-C.
Other names: c.1248_1249del, p.Leu417fs (NM_001177317.2, NM_080877.3); c.1248_1249delCT (NM_080877.2); short protein forms L417fs.
Identifiers: ClinVar variation 955341 (VCV000955341.19), dbSNP rs757714479, ClinGen allele CA5364874.